The following is an entry in ClinVar:

NM_000388.4(CASR):c.2074A>C (p.Ile692Leu)

Gene: CASR (calcium sensing receptor; plus strand). Cytogenetic location: 3q21.1.
Variant type: single nucleotide variant.
Coding change: c.2074A>C on transcript NM_000388.4 (MANE Select); coding-DNA position 2074, A replaced by C.
Protein change: p.Ile692Leu; replaces isoleucine 692 with leucine.
Molecular consequence: missense variant.
Genome position (GRCh38, 1-based): chr3:122,284,028, A>C. VCF-style: chr3-122284028-A-C. GRCh37 (hg19) VCF-style: chr3-122002875-A-C.
Other names: c.2104A>C, p.Ile702Leu (NM_001178065.2); short protein forms I692L, I702L.
Identifiers: ClinVar variation 4884304 (VCV004884304.1).

ClinVar aggregate classification (germline): Uncertain significance (1 of 4 stars; one submission).

Conditions:
Familial hypoparathyroidism. Also called: Familial isolated hypoparathyroidism. Identifiers: Orphanet 2238, MedGen C1832648, MONDO:0016390.

Submission:

Cambridge Genomics Laboratory, East Genomic Laboratory Hub, NHS Genomic Medicine Service
Classification: Uncertain significance for Familial hypoparathyroidism. Last evaluated: 2026-08-11. Review status: criteria provided, single submitter. Criteria: ACGS Best Practice Guidelines for Variant Classification in Rare Disease 2020. Collection method: clinical testing. Allele origin: germline. Affected: yes.
Comment: PS4_Moderate,PM1_Supporting,PM2